The following is an entry in ClinVar:

NM_006297.3(XRCC1):c.399C>T (p.Ser133=)

Gene: XRCC1 (X-ray repair cross complementing 1; minus strand). Cytogenetic location: 19q13.31.
Variant type: single nucleotide variant.
Coding change: c.399C>T on transcript NM_006297.3 (MANE Select); coding-DNA position 399, C replaced by T.
Protein change: p.Ser133=; no amino-acid change (serine 133 retained).
Molecular consequence: synonymous variant.
Genome position (GRCh38, 1-based): chr19:43,554,661, G>A on the plus strand (C>T on the coding strand, the complement: XRCC1 is on the minus strand). VCF-style: chr19-43554661-G-A. GRCh37 (hg19) VCF-style: chr19-44058813-G-A.
Identifiers: ClinVar variation 2650066 (VCV002650066.24), dbSNP rs368911719, ClinGen allele CA507742395.

ClinVar aggregate classification (germline): Likely benign (1 of 4 stars; one submission).

Allele frequency attached by ClinVar (database versions not stated): gnomAD 0.00001.
gnomAD v4.1: 4 of 1,612,294 alleles (0.00025%); highest among the groups gnomAD compares: Admixed American, 0.0067%; no homozygotes.

Submission:

CeGaT Center for Human Genetics Tuebingen
Classification: Likely benign. Last evaluated: 2023-04-01. Review status: criteria provided, single submitter. Criteria: CeGaT Center For Human Genetics Tuebingen Variant Classification Criteria Version 2. Collection method: clinical testing. Allele origin: germline. Affected: yes. Observed: 1 variant allele.
Comment: XRCC1: BP4, BP7